The following is an entry in ClinVar:

NM_006059.4(LAMC3):c.1865C>G (p.Pro622Arg)

Gene: LAMC3 (laminin subunit gamma 3; plus strand). Cytogenetic location: 9q34.12.
Variant type: single nucleotide variant.
Coding change: c.1865C>G on transcript NM_006059.4 (MANE Select); coding-DNA position 1865, C replaced by G.
Protein change: p.Pro622Arg; replaces proline 622 with arginine.
Molecular consequence: missense variant.
Genome position (GRCh38, 1-based): chr9:131,052,891, C>G. VCF-style: chr9-131052891-C-G. GRCh37 (hg19) VCF-style: chr9-133928278-C-G.
Other names: short protein forms P622R.
Identifiers: ClinVar variation 435736 (VCV000435736.26), dbSNP rs142041428, ClinGen allele CA5287250.
Genomic context (GRCh38, chr9:131,052,891, plus strand): 5'-TGACCGCTTCTCTCGCCAGCCTGCAGGAGACCTCCGAGGACGTGGCCCCTCCACTGCCCC[C>G]CTTCCACTTCCAGCGGCTCCTCGCCAACCTGACCAGCCTCCGCCTCCGCGTCAGTCCCGG-3'
Protein context (NP_006050.3, residues 612-632): TSEDVAPPLP[Pro622Arg]FHFQRLLANL

ClinVar aggregate classification (germline): Conflicting classifications of pathogenicity. Review status: criteria provided, conflicting classifications (1 of 4 stars). 4 submissions from 4 submitters: Uncertain significance (3); Likely benign (1). Last evaluated 2024-07-01.

Conditions:
Inborn genetic diseases. Identifiers: MedGen C0950123, MeSH D030342.

Allele frequency attached by ClinVar (database versions not stated): TOPMed 0.00005; ESP Exome Variant Server 0.00008.
gnomAD v4.1: 138 of 1,613,912 alleles (0.0086%); highest among the groups gnomAD compares: Middle Eastern, 0.3%; 1 homozygote.

Submissions (4):

CeGaT Center for Human Genetics Tuebingen
Classification: Likely benign. Last evaluated: 2024-07-01. Review status: criteria provided, single submitter. Criteria: CeGaT Center For Human Genetics Tuebingen Variant Classification Criteria Version 2. Collection method: clinical testing. Allele origin: germline. Affected: yes. Observed: 1 variant allele.
Comment: LAMC3: BP4, BS2

Labcorp Genetics (formerly Invitae), Labcorp
Classification: Uncertain significance. Last evaluated: 2022-10-17. Review status: criteria provided, single submitter. Criteria: Invitae Variant Classification Sherloc (09022015). Collection method: clinical testing. Allele origin: germline.
Comment: This sequence change replaces proline, which is neutral and non-polar, with arginine, which is basic and polar, at codon 622 of the LAMC3 protein (p.Pro622Arg). This variant is present in population databases (rs142041428, gnomAD 0.04%), including at least one homozygous and/or hemizygous individual. This variant has not been reported in the literature in individuals affected with LAMC3-related conditions. ClinVar contains an entry for this variant (Variation ID: 435736). Algorithms developed to predict the effect of missense changes on protein structure and function are either unavailable or do not agree on the potential impact of this missense change (SIFT: "Tolerated"; PolyPhen-2: "Possibly Damaging"; Align-GVGD: "Class C0"). In summary, the available evidence is currently insufficient to determine the role of this variant in disease. Therefore, it has been classified as a Variant of Uncertain Significance.

Ambry Genetics
Classification: Uncertain significance for Inborn genetic diseases. Last evaluated: 2021-07-16. Review status: criteria provided, single submitter. Criteria: Ambry Variant Classification Scheme 2023. Collection method: clinical testing. Allele origin: germline.

Genetic Services Laboratory, University of Chicago
Classification: Uncertain significance. Last evaluated: 2015-09-18. Review status: criteria provided, single submitter. Criteria: ACMG Guidelines, 2015. Collection method: clinical testing. Allele origin: germline. Affected: no.